The following is an entry in ClinVar:

ClinVar aggregate classification (germline): Pathogenic (1 of 4 stars; one submission).

Submission:

GeneDx
Classification: Pathogenic. Last evaluated: 2017-03-16. Review status: criteria provided, single submitter. Criteria: GeneDx Variant Classification (06012015). Collection method: clinical testing. Allele origin: germline. Affected: yes.
Comment: The c.56delA pathogenic variant in the EXT2 gene causes a frameshift starting with codon Lysine 19, changes this amino acid to an Arginine residue and creates a premature Stop codon at position 40 of the new reading frame, denoted p.Lys19ArgfsX40. This pathogenic variant is predicted to cause loss of normal protein function either through protein truncation or nonsense-mediated mRNA decay.

NM_207122.2(EXT2):c.56del (p.Lys19fs)

Gene: EXT2 (exostosin glycosyltransferase 2; plus strand). Cytogenetic location: 11p11.2.
Variant type: Deletion.
Coding change: c.56del on transcript NM_207122.2 (MANE Select); coding-DNA position 56, one base deleted (A; older notation c.56delA).
Protein change: p.Lys19fs; shifts the reading frame from lysine 19.
Molecular consequence: frameshift variant.
Genome position (GRCh38, 1-based): chr11:44,107,768, A deleted; the last of 2 consecutive A bases (chr11:44,107,767-44,107,768); deleting either gives the same sequence. VCF-style (leftmost placement, unchanged base first): chr11-44107766-GA-G. GRCh37 (hg19) VCF-style: chr11-44129316-GA-G.
Other names: c.56delA (NM_207122.1); c.155del, p.Lys52fs (NM_000401.3); c.56del, p.Lys19fs (NM_001178083.3, NM_001389628.1, NM_001389630.1); short protein forms K52fs, K19fs.
Identifiers: ClinVar variation 426966 (VCV000426966.2), dbSNP rs1085307877, ClinGen allele CA645294064.